The following is an entry in ClinVar:

NM_014317.5(PDSS1):c.83G>A (p.Arg28His)

Gene: PDSS1 (decaprenyl diphosphate synthase subunit 1; plus strand). Cytogenetic location: 10p12.1.
Variant type: single nucleotide variant.
Coding change: c.83G>A on transcript NM_014317.5 (MANE Select); coding-DNA position 83, G replaced by A.
Protein change: p.Arg28His; replaces arginine 28 with histidine.
Molecular consequence: missense variant. On other transcripts: 5 prime UTR variant (1).
Genome position (GRCh38, 1-based): chr10:26,697,794, G>A. VCF-style: chr10-26697794-G-A. GRCh37 (hg19) VCF-style: chr10-26986723-G-A.
Other names: c.83G>A, p.Arg28His (NM_001321978.2); c.-511G>A (NM_001321979.2); short protein forms R28H.
Identifiers: ClinVar variation 1957611 (VCV001957611.5), dbSNP rs763915931, ClinGen allele CA376488936.
Genomic context (GRCh38, chr10:26,697,794, plus strand): 5'-GGCGGCGCGGCTGCTCCTGGAAGCCGGCGGCGCGGAGCCCCGGGCCCGGCTCCCCCGGCC[G>A]TGCGGGACCGTTGGGGCCGAGCGCCGCTGCCGAAGTCCGCGCGCAGGTGAGGTTGGGAGG-3'
Protein context (NP_055132.2, residues 18-38): ARSPGPGSPG[Arg28His]AGPLGPSAAA

ClinVar aggregate classification (germline): Uncertain significance (1 of 4 stars; one submission).

Submission:

Labcorp Genetics (formerly Invitae), Labcorp
Classification: Uncertain significance. Last evaluated: 2024-12-09. Review status: criteria provided, single submitter. Criteria: Invitae Variant Classification Sherloc (09022015). Collection method: clinical testing. Allele origin: germline.
Comment: This sequence change replaces arginine, which is basic and polar, with histidine, which is basic and polar, at codon 28 of the PDSS1 protein (p.Arg28His). This variant is not present in population databases (gnomAD no frequency). This variant has not been reported in the literature in individuals affected with PDSS1-related conditions. ClinVar contains an entry for this variant (Variation ID: 1957611). An algorithm developed to predict the effect of missense changes on protein structure and function outputs the following: PolyPhen-2: "Benign". The histidine amino acid residue is found in multiple mammalian species, which suggests that this missense change does not adversely affect protein function. In summary, the available evidence is currently insufficient to determine the role of this variant in disease. Therefore, it has been classified as a Variant of Uncertain Significance.